The following is an entry in ClinVar:

NM_003680.4(YARS1):c.1350C>T (p.Arg450=)

Gene: YARS1 (tyrosyl-tRNA synthetase 1; minus strand). Cytogenetic location: 1p35.1.
Variant type: single nucleotide variant.
Coding change: c.1350C>T on transcript NM_003680.4 (MANE Select); coding-DNA position 1350, C replaced by T.
Protein change: p.Arg450=; no amino-acid change (arginine 450 retained).
Molecular consequence: synonymous variant.
Genome position (GRCh38, 1-based): chr1:32,779,508, G>A on the plus strand (C>T on the coding strand, the complement: YARS1 is on the minus strand). VCF-style: chr1-32779508-G-A. GRCh37 (hg19) VCF-style: chr1-33245109-G-A.
Other names: p.Arg450=.
Identifiers: ClinVar variation 4684820 (VCV004684820.1).

ClinVar aggregate classification (germline): Likely benign (1 of 4 stars; one submission).

Submission:

Mayo Clinic Laboratories, Mayo Clinic
Classification: Likely benign. Last evaluated: 2024-11-19. Review status: criteria provided, single submitter. Criteria: ACMG Guidelines, 2015. Collection method: clinical testing. Allele origin: germline. Observed: 1 variant allele.
Comment: BP4, BP7